The following is an entry in ClinVar:

NM_020975.6(RET):c.2939T>C (p.Met980Thr)

Gene: RET (ret proto-oncogene; plus strand). Cytogenetic location: 10q11.21.
Variant type: single nucleotide variant.
Coding change: c.2939T>C on transcript NM_020975.6 (MANE Select); coding-DNA position 2939, T replaced by C.
Protein change: p.Met980Thr; replaces methionine 980 with threonine.
Molecular consequence: missense variant.
Genome position (GRCh38, 1-based): chr10:43,123,808, T>C. VCF-style: chr10-43123808-T-C. GRCh37 (hg19) VCF-style: chr10-43619256-T-C.
Other names: c.2177T>C, p.Met726Thr (NM_001355216.2); c.2939T>C, p.Met980Thr (NM_001406743.1, NM_001406744.1, NM_001406759.1 and 2 more transcripts); c.2543T>C, p.Met848Thr (NM_001406769.1, NM_001406772.1); c.2651T>C, p.Met884Thr (NM_001406770.1, NM_001406766.1, NM_001406767.1); c.2501T>C, p.Met834Thr (NM_001406771.1, NM_001406773.1); c.2414T>C, p.Met805Thr (NM_001406774.1); c.2213T>C, p.Met738Thr (NM_001406775.1, NM_001406776.1, NM_001406777.1 and 1 more transcripts); c.1754T>C, p.Met585Thr (NM_001406788.1, NM_001406789.1, NM_001406790.1); and 10 more; short protein forms M545T, M636T, M834T, M884T, M641T, M738T, M848T, M937T.
Identifiers: ClinVar variation 3720930 (VCV003720930.2).

ClinVar aggregate classification (germline): Uncertain significance (1 of 4 stars; one submission).

Conditions:
Multiple endocrine neoplasia, type 2 (MEN2). Identifiers: Orphanet 653, MedGen C4048306, MONDO:0019003. Disease mechanism: gain of function.

Submission:

Labcorp Genetics (formerly Invitae), Labcorp
Classification: Uncertain significance for Multiple endocrine neoplasia, type 2. Last evaluated: 2025-12-14. Review status: criteria provided, single submitter. Criteria: Invitae Variant Classification Sherloc (09022015). Collection method: clinical testing. Allele origin: germline.
Comment: This sequence change replaces methionine, which is neutral and non-polar, with threonine, which is neutral and polar, at codon 980 of the RET protein (p.Met980Thr). This variant is not present in population databases (gnomAD no frequency). This missense change has been observed in individual(s) with Hirschsprung disease (PMID: 7581377, 11438491). ClinVar contains an entry for this variant (Variation ID: 3720930). An algorithm developed to predict the effect of missense changes on protein structure and function (PolyPhen-2) suggests that this variant is likely to be disruptive. Experimental studies have shown that this missense change affects RET function (PMID: 11438491). In summary, the available evidence is currently insufficient to determine the role of this variant in disease. Therefore, it has been classified as a Variant of Uncertain Significance.

Literature cited by the submitters: PubMed 7581377; PubMed 11438491.